The following is an entry in ClinVar:

ClinVar aggregate classification (germline): Pathogenic. Review status: criteria provided, single submitter (1 of 4 stars). 2 submissions from 2 submitters: Pathogenic (1). 1 of the submissions does not count toward it. Last evaluated 2021-08-24.

Conditions:
Polycystic kidney disease. Also called: Kidney, Polycystic; Polycystic kidney dysplasia. Identifiers: MedGen C0022680, MeSH D007690, MONDO:0020642, HP:0000113.
PKD2-related disorder. Also called: PKD2-related condition.

Submissions (2):

Blueprint Genetics
Classification: Pathogenic for PKD2-related disorders. Last evaluated: 2021-08-24. Review status: criteria provided, single submitter. Criteria: ACMG Guidelines, 2015. Collection method: clinical testing. Allele origin: germline. Affected: yes. Observed: 1 variant allele.

Department of Pathology and Laboratory Medicine, Sinai Health System
Classification: Pathogenic for Polycystic Kidney disease. Review status: no assertion criteria provided. Collection method: clinical testing. Allele origin: unknown. Affected: yes. Study: The Canadian Open Genetics Repository (COGR). Not counted in ClinVar's aggregate classification.
Comment: The PKD2 c.844-2A>G variant was not identified in the literature nor was it identified in the dbSNP, ClinVar, GeneInsight-COGR, LOVD 3.0, ADPKD Mutation Database, or PKD1-LOVD, databases. The variant was not identified in the following control databases: the Exome Aggregation Consortium (August 8th 2016), or the Genome Aggregation Database (Feb 27, 2017). The c.844-2A>G variant is predicted to cause abnormal splicing because the nucleotide substitution occurs in the invariant region of the splice consensus sequence. In addition, 4 of 4 in silico or computational prediction software programs (SpliceSiteFinder, MaxEntScan, NNSPLICE, GeneSplicer) predict a greater than 10% difference in splicing. In summary, based on the above information this variant meets our laboratoryâ€šÃ„Ã´s criteria to be classified as pathogenic.

NM_000297.4(PKD2):c.844-2A>G

Gene: PKD2 (polycystin 2, transient receptor potential cation channel; plus strand). Cytogenetic location: 4q22.1.
Variant type: single nucleotide variant.
Coding change: c.844-2A>G on transcript NM_000297.4 (MANE Select); the canonical splice acceptor site of the intron before coding-DNA position 844, A replaced by G.
Molecular consequence: splice acceptor variant.
Genome position (GRCh38, 1-based): chr4:88,038,249, A>G. VCF-style: chr4-88038249-A-G. GRCh37 (hg19) VCF-style: chr4-88959401-A-G.
Identifiers: ClinVar variation 997239 (VCV000997239.2), dbSNP rs1727412388, ClinGen allele CA357632161.